The following is an entry in ClinVar:

NM_006940.6(SOX5):c.2292A>G (p.Ter764Trp)

Gene: SOX5 (SRY-box transcription factor 5; minus strand). Cytogenetic location: 12p12.1.
Variant type: single nucleotide variant.
Coding change: c.2292A>G on transcript NM_006940.6 (MANE Select); coding-DNA position 2292, A replaced by G.
Protein change: p.Ter764Trp.
Molecular consequence: stop lost.
Genome position (GRCh38, 1-based): chr12:23,534,219, T>C on the plus strand (A>G on the coding strand, the complement: SOX5 is on the minus strand). VCF-style: chr12-23534219-T-C. GRCh37 (hg19) VCF-style: chr12-23687153-T-C.
Other names: *751W; *764W; *729W; *754W; *643W; *378W; c.1929A>G, p.Ter643Trp (NM_001261414.3); c.2262A>G, p.Ter754Trp (NM_001261415.3); and 3 more.
Identifiers: ClinVar variation 504252 (VCV000504252.2), dbSNP rs1555121055, ClinGen allele CA384318464.
Genomic context (GRCh38, chr12:23,534,219, plus strand): 5'-AAGGATGAACCAGTTAGGGCTTCTTTAAGTCCTAAGGTCACAACAATCTTTTGACCCTTA[T>C]CAGTTGGCTTGTCCTGCAATATGGTTTTCACTGTCACTCCCATAATCTACATCTGGATCA-3'

ClinVar aggregate classification (germline): Uncertain significance (1 of 4 stars; one submission).

Submission:

GeneDx
Classification: Uncertain significance. Last evaluated: 2018-02-05. Review status: criteria provided, single submitter. Criteria: GeneDx Variant Classification (06012015). Collection method: clinical testing. Allele origin: germline. Affected: yes.
Comment: A variant of uncertain significance has been identified in the SOX5 gene. The c.2292 A>G variant has not been published as a pathogenic variant, nor has it been reported as a benign variant to our knowledge. This variant changes the normal stop codon to a Tryptophan codon, leading to the addition of one amino acid at the C-terminus. This variant is not observed in large population cohorts (Lek et al., 2016). Other variants that extend the length of the protein have not been previously reported. Therefore, based on the currently available information, it is unclear whether this variant is a pathogenic variant or a rare benign variant.